The following is an entry in ClinVar:

NM_001084.5(PLOD3):c.1936-3C>T

Gene: PLOD3 (procollagen-lysine,2-oxoglutarate 5-dioxygenase 3; minus strand). Cytogenetic location: 7q22.1.
Variant type: single nucleotide variant.
Coding change: c.1936-3C>T on transcript NM_001084.5 (MANE Select); 3 bases into the intron before coding-DNA position 1936, C replaced by T.
Molecular consequence: intron variant.
Genome position (GRCh38, 1-based): chr7:101,206,907, G>A on the plus strand (C>T on the coding strand, the complement: PLOD3 is on the minus strand). VCF-style: chr7-101206907-G-A. GRCh37 (hg19) VCF-style: chr7-100850188-G-A.
Other names: c.1936-3C>T (NM_001084.4).
Identifiers: ClinVar variation 2166155 (VCV002166155.3), dbSNP rs1457671346, ClinGen allele CA576469923.

ClinVar aggregate classification (germline): Conflicting classifications of pathogenicity. Review status: criteria provided, conflicting classifications (1 of 4 stars). 2 submissions from 2 submitters: Uncertain significance (1); Likely benign (1). Last evaluated 2024-02-17.

Conditions:
Inborn genetic diseases. Identifiers: MedGen C0950123, MeSH D030342.

Allele frequency attached by ClinVar (database versions not stated): TOPMed 0.00017; gnomAD 0.00024.
gnomAD v4.1: 61 of 1,555,632 alleles (0.0039%); highest among the groups gnomAD compares: Admixed American, 0.11%; no homozygotes.

Submissions (2):

Labcorp Genetics (formerly Invitae), Labcorp
Classification: Uncertain significance. Last evaluated: 2024-02-17. Review status: criteria provided, single submitter. Criteria: Invitae Variant Classification Sherloc (09022015). Collection method: clinical testing. Allele origin: germline.
Comment: This sequence change falls in intron 17 of the PLOD3 gene. It does not directly change the encoded amino acid sequence of the PLOD3 protein. It affects a nucleotide within the consensus splice site. This variant is present in population databases (no rsID available, gnomAD 0.06%). This variant has not been reported in the literature in individuals affected with PLOD3-related conditions. ClinVar contains an entry for this variant (Variation ID: 2166155). Variants that disrupt the consensus splice site are a relatively common cause of aberrant splicing (PMID: 17576681, 9536098). Algorithms developed to predict the effect of sequence changes on RNA splicing suggest that this variant is not likely to affect RNA splicing. In summary, the available evidence is currently insufficient to determine the role of this variant in disease. Therefore, it has been classified as a Variant of Uncertain Significance.

Ambry Genetics
Classification: Likely benign for Inborn genetic diseases. Last evaluated: 2021-10-02. Review status: criteria provided, single submitter. Criteria: Ambry Variant Classification Scheme 2023. Collection method: clinical testing. Allele origin: germline.

Literature cited by the submitters: PubMed 17576681 (cited by Labcorp Genetics (formerly Invitae), Labcorp); PubMed 9536098 (cited by Labcorp Genetics (formerly Invitae), Labcorp).